The following is an entry in ClinVar:

ClinVar aggregate classification (germline): Uncertain significance (1 of 4 stars; one submission).

Conditions:
Fanconi anemia (FA). Also called: Fanconi's anemia. Identifiers: Orphanet 84, MedGen C0015625, MeSH D005199, MONDO:0019391.

gnomAD v4.1: 2 of 1,613,168 alleles (0.00012%); highest among the groups gnomAD compares: Non-Finnish European, 0.00017%; no homozygotes.

Submission:

Labcorp Genetics (formerly Invitae), Labcorp
Classification: Uncertain significance for Fanconi anemia. Last evaluated: 2018-10-01. Review status: criteria provided, single submitter. Criteria: Invitae Variant Classification Sherloc (09022015). Collection method: clinical testing. Allele origin: germline.
Comment: In summary, the available evidence is currently insufficient to determine the role of this variant in disease. Therefore, it has been classified as a Variant of Uncertain Significance. Algorithms developed to predict the effect of missense changes on protein structure and function are either unavailable or do not agree on the potential impact of this missense change (SIFT: "Tolerated"; PolyPhen-2: "Possibly Damaging"; Align-GVGD: "Class C0"). This variant has not been reported in the literature in individuals with SLX4-related disease. This variant is not present in population databases (ExAC no frequency). This sequence change replaces serine with phenylalanine at codon 1730 of the SLX4 protein (p.Ser1730Phe). The serine residue is moderately conserved and there is a large physicochemical difference between serine and phenylalanine.

NM_032444.4(SLX4):c.5189C>T (p.Ser1730Phe)

Gene: SLX4 (SLX4 structure-specific endonuclease subunit; minus strand). Cytogenetic location: 16p13.3.
Variant type: single nucleotide variant.
Coding change: c.5189C>T on transcript NM_032444.4 (MANE Select); coding-DNA position 5189, C replaced by T.
Protein change: p.Ser1730Phe; replaces serine 1730 with phenylalanine.
Molecular consequence: missense variant.
Genome position (GRCh38, 1-based): chr16:3,582,658, G>A on the plus strand (C>T on the coding strand, the complement: SLX4 is on the minus strand). VCF-style: chr16-3582658-G-A. GRCh37 (hg19) VCF-style: chr16-3632659-G-A.
Other names: c.5189C>T (LRG_503t1); short protein forms S1730F.
Identifiers: ClinVar variation 652865 (VCV000652865.8), dbSNP rs376960842, ClinGen allele CA394514015.